The following is an entry in ClinVar:

NM_005188.4(CBL):c.1765T>C (p.Ser589Pro)

Gene: CBL (Cbl proto-oncogene; plus strand). Cytogenetic location: 11q23.3.
Variant type: single nucleotide variant.
Coding change: c.1765T>C on transcript NM_005188.4 (MANE Select); coding-DNA position 1765, T replaced by C.
Protein change: p.Ser589Pro; replaces serine 589 with proline.
Molecular consequence: missense variant.
Genome position (GRCh38, 1-based): chr11:119,285,390, T>C. VCF-style: chr11-119285390-T-C. GRCh37 (hg19) VCF-style: chr11-119156100-T-C.
Other names: c.1765T>C (NM_005188.2); short protein forms S589P.
Identifiers: ClinVar variation 477699 (VCV000477699.9), dbSNP rs1555230612, ClinGen allele CA382920145.

ClinVar aggregate classification (germline): Uncertain significance. Review status: criteria provided, multiple submitters, no conflicts (2 of 4 stars). 2 submissions from 2 submitters: Uncertain significance (2). Last evaluated 2026-01-05.

Conditions:
Cardiovascular phenotype. Identifiers: MedGen CN230736.
RASopathy. Also called: rasopathies; Noonan spectrum disorder. Identifiers: Orphanet 536391, MedGen C5555857, MONDO:0021060.

Allele frequency attached by ClinVar (database versions not stated): gnomAD exomes below 0.00001.
gnomAD v4.1: 1 of 1,614,114 alleles (0.000062%); highest among the groups gnomAD compares: East Asian, 0.0022%; no homozygotes.

Submissions (2):

Labcorp Genetics (formerly Invitae), Labcorp
Classification: Uncertain significance for RASopathy. Last evaluated: 2026-01-05. Review status: criteria provided, single submitter. Criteria: Invitae Variant Classification Sherloc (09022015). Collection method: clinical testing. Allele origin: germline.
Comment: This sequence change replaces serine, which is neutral and polar, with proline, which is neutral and non-polar, at codon 589 of the CBL protein (p.Ser589Pro). This variant is not present in population databases (gnomAD no frequency). This variant has not been reported in the literature in individuals affected with CBL-related conditions. ClinVar contains an entry for this variant (Variation ID: 477699). Invitae Evidence Modeling of protein sequence and biophysical properties (such as structural, functional, and spatial information, amino acid conservation, physicochemical variation, residue mobility, and thermodynamic stability) indicates that this missense variant is not expected to disrupt CBL protein function with a negative predictive value of 95%. In summary, the available evidence is currently insufficient to determine the role of this variant in disease. Therefore, it has been classified as a Variant of Uncertain Significance.

Ambry Genetics
Classification: Uncertain significance for Cardiovascular phenotype. Last evaluated: 2025-02-08. Review status: criteria provided, single submitter. Criteria: Ambry Variant Classification Scheme 2023. Collection method: clinical testing. Allele origin: germline.
Comment: The p.S589P variant (also known as c.1765T>C), located in coding exon 11 of the CBL gene, results from a T to C substitution at nucleotide position 1765. The serine at codon 589 is replaced by proline, an amino acid with similar properties. This amino acid position is conserved. In addition, this alteration is predicted to be tolerated by in silico analysis. Based on the available evidence, the clinical significance of this variant remains unclear.